The following is an entry in ClinVar:

NM_001242896.3(DEPDC5):c.1190A>G (p.Tyr397Cys)

Gene: DEPDC5 (DEP domain containing 5, GATOR1 subcomplex subunit; plus strand). Cytogenetic location: 22q12.3.
Variant type: single nucleotide variant.
Coding change: c.1190A>G on transcript NM_001242896.3 (MANE Select); coding-DNA position 1190, A replaced by G.
Protein change: p.Tyr397Cys; replaces tyrosine 397 with cysteine.
Molecular consequence: missense variant. On other transcripts: non-coding transcript variant (5).
Genome position (GRCh38, 1-based): chr22:31,804,888, A>G. VCF-style: chr22-31804888-A-G. GRCh37 (hg19) VCF-style: chr22-32200874-A-G.
Other names: c.1190A>G, p.Tyr397Cys (NM_001007188.4, NM_001136029.4, NM_001242897.2 and 7 more transcripts); c.1106A>G, p.Tyr369Cys (NM_001369901.1, NM_001369902.1); short protein forms Y397C, Y369C.
Identifiers: ClinVar variation 2725179 (VCV002725179.3), dbSNP rs1433468203, ClinGen allele CA411293596.

ClinVar aggregate classification (germline): Uncertain significance (1 of 4 stars; one submission).

Conditions:
Familial focal epilepsy with variable foci (FPEVF). Identifiers: Orphanet 98820, MedGen C1858477, MONDO:0020310.

Allele frequency attached by ClinVar (database versions not stated): gnomAD exomes 0.00001.
gnomAD v4.1: 4 of 1,613,990 alleles (0.00025%); highest among the groups gnomAD compares: East Asian, 0.0067%; no homozygotes.

Submission:

Labcorp Genetics (formerly Invitae), Labcorp
Classification: Uncertain significance for Familial focal epilepsy with variable foci. Last evaluated: 2023-06-23. Review status: criteria provided, single submitter. Criteria: Invitae Variant Classification Sherloc (09022015). Collection method: clinical testing. Allele origin: germline.
Comment: In summary, the available evidence is currently insufficient to determine the role of this variant in disease. Therefore, it has been classified as a Variant of Uncertain Significance. Experimental studies and prediction algorithms are not available or were not evaluated, and the functional significance of this variant is currently unknown. This sequence change replaces tyrosine, which is neutral and polar, with cysteine, which is neutral and slightly polar, at codon 397 of the DEPDC5 protein (p.Tyr397Cys). This variant is present in population databases (no rsID available, gnomAD 0.01%). This variant has not been reported in the literature in individuals affected with DEPDC5-related conditions.